The following is an entry in ClinVar:

ClinVar aggregate classification (germline): Likely benign. Review status: criteria provided, multiple submitters, no conflicts (2 of 4 stars). 2 submissions from 2 submitters: Likely benign (2). Last evaluated 2026-04-23.

Conditions:
CACNA1C-related disorder. Also called: CACNA1C-related disorders; CACNA1C-related condition. Identifiers: MedGen CN381092, MONDO:0700321.

gnomAD v4.1: 125 of 1,611,880 alleles (0.0078%); highest among the groups gnomAD compares: South Asian, 0.13%; 1 homozygote.

Submissions (2):

PreventionGenetics, part of Exact Sciences
Classification: Likely benign for CACNA1C-related condition. Last evaluated: 2026-04-23. Review status: criteria provided, single submitter. Criteria: ACMG Guidelines, 2015. Collection method: clinical testing. Allele origin: germline.
Comment: This variant is classified as likely benign based on ACMG/AMP sequence variant interpretation guidelines (Richards et al. 2015 PMID: 25741868, with internal and published modifications).

Blueprint Genetics
Classification: Likely benign. Last evaluated: 2024-10-04. Review status: criteria provided, single submitter. Criteria: ACMG Guidelines, 2015. Collection method: clinical testing. Allele origin: germline.

NM_000719.7(CACNA1C):c.5445-558G>A

Genes: CACNA1C (calcium voltage-gated channel subunit alpha1 C; plus strand), CACNA1C-AS1 (CACNA1C antisense RNA 1; minus strand). Cytogenetic location: 12p13.33.
Variant type: single nucleotide variant.
Coding change: c.5445-558G>A on transcript NM_000719.7 (MANE Select); 558 bases into the intron before coding-DNA position 5445, G replaced by A.
Molecular consequence: intron variant. On other transcripts: synonymous variant (3).
Genome position (GRCh38, 1-based): chr12:2,681,992, G>A. VCF-style: chr12-2681992-G-A. GRCh37 (hg19) VCF-style: chr12-2791158-G-A.
Other names: c.5631G>A (NM_199460.3); c.5487G>A, p.Arg1829= (NM_001129830.3, NM_001167624.3); c.5631G>A, p.Arg1877= (NM_199460.4); c.5445-558G>A (NM_001167623.2, NM_001129840.2, NM_001129842.2 and 2 more transcripts); c.5625-558G>A (NM_001167625.2); c.5589-558G>A (NM_001129827.2); c.5505-558G>A (NM_001129832.2); c.5529-558G>A (NM_001129831.2); and 7 more.
Identifiers: ClinVar variation 4915124 (VCV004915124.2).